The following is an entry in ClinVar:

ClinVar aggregate classification (germline): Uncertain significance (1 of 4 stars; one submission).

Allele frequency attached by ClinVar (database versions not stated): gnomAD exomes 0.00002; TOPMed 0.00002; gnomAD 0.00005.
gnomAD v4.1: 33 of 1,614,116 alleles (0.002%); highest among the groups gnomAD compares: Non-Finnish European, 0.0026%; no homozygotes.

Submission:

Labcorp Genetics (formerly Invitae), Labcorp
Classification: Uncertain significance. Last evaluated: 2022-12-28. Review status: criteria provided, single submitter. Criteria: Invitae Variant Classification Sherloc (09022015). Collection method: clinical testing. Allele origin: germline.
Comment: This sequence change replaces alanine, which is neutral and non-polar, with glycine, which is neutral and non-polar, at codon 38 of the S1PR2 protein (p.Ala38Gly). This variant is present in population databases (rs776432035, gnomAD 0.004%). This variant has not been reported in the literature in individuals affected with S1PR2-related conditions. Algorithms developed to predict the effect of missense changes on protein structure and function are either unavailable or do not agree on the potential impact of this missense change (SIFT: "Deleterious"; PolyPhen-2: "Benign"; Align-GVGD: "Class C0"). In summary, the available evidence is currently insufficient to determine the role of this variant in disease. Therefore, it has been classified as a Variant of Uncertain Significance.

NM_004230.4(S1PR2):c.113C>G (p.Ala38Gly)

Gene: S1PR2 (sphingosine-1-phosphate receptor 2; minus strand). Cytogenetic location: 19p13.2.
Variant type: single nucleotide variant.
Coding change: c.113C>G on transcript NM_004230.4 (MANE Select); coding-DNA position 113, C replaced by G.
Protein change: p.Ala38Gly; replaces alanine 38 with glycine.
Molecular consequence: missense variant.
Genome position (GRCh38, 1-based): chr19:10,224,793, G>C on the plus strand (C>G on the coding strand, the complement: S1PR2 is on the minus strand). VCF-style: chr19-10224793-G-C. GRCh37 (hg19) VCF-style: chr19-10335469-G-C.
Other names: short protein forms A38G.
Identifiers: ClinVar variation 2990872 (VCV002990872.2), dbSNP rs776432035, ClinGen allele CA305184057.